The following is an entry in ClinVar:

NM_000051.4(ATM):c.452C>A (p.Ser151Tyr)

Gene: ATM (ATM serine/threonine kinase; plus strand). Cytogenetic location: 11q22.3.
Variant type: single nucleotide variant.
Coding change: c.452C>A on transcript NM_000051.4 (MANE Select); coding-DNA position 452, C replaced by A.
Protein change: p.Ser151Tyr; replaces serine 151 with tyrosine.
Molecular consequence: missense variant.
Genome position (GRCh38, 1-based): chr11:108,235,790, C>A. VCF-style: chr11-108235790-C-A. GRCh37 (hg19) VCF-style: chr11-108106517-C-A.
Other names: c.452C>A, p.Ser151Tyr (NM_001351834.2); short protein forms S151Y.
Identifiers: ClinVar variation 1741259 (VCV001741259.2), dbSNP rs1565357249, ClinGen allele CA382525353.

ClinVar aggregate classification (germline): Uncertain significance (1 of 4 stars; one submission).

Conditions:
Hereditary cancer-predisposing syndrome. Also called: Hereditary Cancer Syndrome; Hereditary neoplastic syndrome; Neoplastic Syndromes, Hereditary; Tumor predisposition. Identifiers: Orphanet 140162, MedGen C0027672, MeSH D009386, MONDO:0015356.

Submission:

Ambry Genetics
Classification: Uncertain significance for Hereditary cancer-predisposing syndrome. Last evaluated: 2022-05-27. Review status: criteria provided, single submitter. Criteria: Ambry Variant Classification Scheme 2023. Collection method: clinical testing. Allele origin: germline.
Comment: The p.S151Y variant (also known as c.452C>A), located in coding exon 4 of the ATM gene, results from a C to A substitution at nucleotide position 452. The serine at codon 151 is replaced by tyrosine, an amino acid with dissimilar properties. This amino acid position is highly conserved in available vertebrate species. In addition, the in silico prediction for this alteration is inconclusive. Since supporting evidence is limited at this time, the clinical significance of this alteration remains unclear.